The following is an entry in ClinVar:

NM_001330288.2(SMARCC2):c.1817T>C (p.Phe606Ser)

Gene: SMARCC2 (SWI/SNF related BAF chromatin remodeling complex subunit C2; minus strand). Cytogenetic location: 12q13.2.
Variant type: single nucleotide variant.
Coding change: c.1817T>C on transcript NM_001330288.2 (MANE Select); coding-DNA position 1817, T replaced by C.
Protein change: p.Phe606Ser; replaces phenylalanine 606 with serine.
Molecular consequence: missense variant.
Genome position (GRCh38, 1-based): chr12:56,172,631, A>G on the plus strand (T>C on the coding strand, the complement: SMARCC2 is on the minus strand). VCF-style: chr12-56172631-A-G. GRCh37 (hg19) VCF-style: chr12-56566415-A-G.
Other names: c.1817T>C, p.Phe606Ser (NM_001130420.3, NM_139067.4); c.1724T>C, p.Phe575Ser (NM_003075.5); short protein forms F575S, F606S.
Identifiers: ClinVar variation 4529966 (VCV004529966.1).

ClinVar aggregate classification (germline): Uncertain significance (1 of 4 stars; one submission).

Submission:

GeneDx
Classification: Uncertain significance. Last evaluated: 2025-05-14. Review status: criteria provided, single submitter. Criteria: GeneDx Variant Classification Process June 2021. Collection method: clinical testing. Allele origin: germline. Affected: yes.
Comment: Not observed at significant frequency in large population cohorts (gnomAD); In silico analysis supports that this missense variant has a deleterious effect on protein structure/function; Has not been previously published as pathogenic or benign to our knowledge